The following is an entry in ClinVar:

NC_012920.1(MT-TI):m.4320C>T

Gene: MT-TI (mitochondrially encoded tRNA isoleucine; plus strand).
Variant type: single nucleotide variant.
Genome position: chrM-4320-C-T.
Identifiers: ClinVar variation 689883 (VCV000689883.1), dbSNP rs1603219406, ClinGen allele CA913177721.

ClinVar aggregate classification (germline): Uncertain significance (1 of 4 stars; one submission).

Conditions:
MELAS syndrome (MELAS). Also called: Juvenile myopathy, encephalopathy, lactic acidosis, stroke. Identifiers: Orphanet 550, MedGen C0162671, MONDO:0010789, OMIM 540000.

Submission:

Wong Mito Lab, Molecular and Human Genetics, Baylor College of Medicine
Classification: Uncertain significance for MELAS syndrome. Last evaluated: 2019-07-12. Review status: criteria provided, single submitter. Criteria: Modified ACMG Guidelines (Unpublished). Collection method: clinical testing. Allele origin: germline.
Comment: The NC_012920.1:m.4320C>T variant in MT-TI gene is interpreted to be a Unknown Significance variant based on the modified ACMG guidelines (unpublished). This variant meets the following evidence codes reported in the guidelines: PM7, BP6

Literature cited by the submitters: PubMed 31965079; PubMed 15477393.